The following is an entry in ClinVar:

ClinVar aggregate classification (germline): Uncertain significance (1 of 4 stars; one submission).

Conditions:
Autosomal recessive limb-girdle muscular dystrophy type 2Y (MRRSDC). Also called: Muscular dystrophy, limb-girdle, type 2y; Muscular dystrophy, autosomal recessive, with rigid spine and distal joint contractures. Identifiers: Orphanet 424261, MedGen C4511482, MONDO:0014900, OMIM 617072.

Allele frequency attached by ClinVar (database versions not stated): gnomAD exomes below 0.00001; TOPMed below 0.00001; gnomAD 0.00001.
gnomAD v4.1: 5 of 1,614,090 alleles (0.00031%); highest among the groups gnomAD compares: Non-Finnish European, 0.00042%; no homozygotes.

Submission:

Labcorp Genetics (formerly Invitae), Labcorp
Classification: Uncertain significance for Autosomal recessive limb-girdle muscular dystrophy type 2Y. Last evaluated: 2025-08-18. Review status: criteria provided, single submitter. Criteria: Invitae Variant Classification Sherloc (09022015). Collection method: clinical testing. Allele origin: germline.
Comment: This sequence change replaces isoleucine, which is neutral and non-polar, with phenylalanine, which is neutral and non-polar, at codon 492 of the TOR1AIP1 protein (p.Ile492Phe). This variant is not present in population databases (gnomAD no frequency). This variant has not been reported in the literature in individuals affected with TOR1AIP1-related conditions. ClinVar contains an entry for this variant (Variation ID: 1901405). Invitae Evidence Modeling of protein sequence and biophysical properties (such as structural, functional, and spatial information, amino acid conservation, physicochemical variation, residue mobility, and thermodynamic stability) indicates that this missense variant is expected to disrupt TOR1AIP1 protein function with a positive predictive value of 80%. In summary, the available evidence is currently insufficient to determine the role of this variant in disease. Therefore, it has been classified as a Variant of Uncertain Significance.

NM_015602.4(TOR1AIP1):c.1471A>T (p.Ile491Phe)

Gene: TOR1AIP1 (torsin 1A interacting protein 1; plus strand). Cytogenetic location: 1q25.2.
Variant type: single nucleotide variant.
Coding change: c.1471A>T on transcript NM_015602.4 (MANE Select); coding-DNA position 1471, A replaced by T.
Protein change: p.Ile491Phe; replaces isoleucine 491 with phenylalanine.
Molecular consequence: missense variant.
Genome position (GRCh38, 1-based): chr1:179,917,958, A>T. VCF-style: chr1-179917958-A-T. GRCh37 (hg19) VCF-style: chr1-179887093-A-T.
Other names: c.1474A>T, p.Ile492Phe (NM_001267578.2); short protein forms I491F, I492F.
Identifiers: ClinVar variation 1901405 (VCV001901405.5), dbSNP rs1483889396, ClinGen allele CA343575402.